The following is an entry in ClinVar:

ClinVar aggregate classification (germline): Likely benign. Review status: criteria provided, multiple submitters, no conflicts (2 of 4 stars). 2 submissions from 2 submitters: Likely benign (2). Last evaluated 2025-04-01.

Submissions (2):

CeGaT Center for Human Genetics Tuebingen
Classification: Likely benign. Last evaluated: 2025-04-01. Review status: criteria provided, single submitter. Criteria: CeGaT Center For Human Genetics Tuebingen Variant Classification Criteria Version 2. Collection method: clinical testing. Allele origin: germline. Affected: yes. Observed: 2 variant alleles.
Comment: DSPP: BP4, BP7

Laboratory of Genetics, Children's Clinical University Hospital Latvia
Classification: Likely benign. Last evaluated: 2025-02-16. Review status: criteria provided, single submitter. Criteria: ACMG Guidelines, 2015. Collection method: clinical testing. Allele origin: germline. Affected: yes.

NM_014208.3(DSPP):c.3312C>T (p.Asp1104=)

Genes: DMP1-AS1 (DMP1 and DSPP antisense RNA 1; minus strand), DSPP (dentin sialophosphoprotein; plus strand). Cytogenetic location: 4q22.1.
Variant type: single nucleotide variant.
Coding change: c.3312C>T on transcript NM_014208.3 (MANE Select); coding-DNA position 3312, C replaced by T.
Protein change: p.Asp1104=; no amino-acid change (aspartic acid 1104 retained).
Molecular consequence: synonymous variant.
Genome position (GRCh38, 1-based): chr4:87,615,974, C>T. VCF-style: chr4-87615974-C-T. GRCh37 (hg19) VCF-style: chr4-88537126-C-T.
Identifiers: ClinVar variation 3770404 (VCV003770404.14).